The following is an entry in ClinVar:

NM_001258392.3(CLPB):c.1610A>C (p.Tyr537Ser)

Gene: CLPB (ClpB family mitochondrial disaggregase; minus strand). Cytogenetic location: 11q13.4.
Variant type: single nucleotide variant.
Coding change: c.1610A>C on transcript NM_001258392.3 (MANE Select); coding-DNA position 1610, A replaced by C.
Protein change: p.Tyr537Ser; replaces tyrosine 537 with serine.
Molecular consequence: missense variant.
Genome position (GRCh38, 1-based): chr11:72,294,395, T>G on the plus strand (A>C on the coding strand, the complement: CLPB is on the minus strand). VCF-style: chr11-72294395-T-G. GRCh37 (hg19) VCF-style: chr11-72005439-T-G.
Other names: c.1523A>C, p.Tyr508Ser (NM_001258393.3); c.1565A>C, p.Tyr522Ser (NM_001258394.3); c.1700A>C, p.Tyr567Ser (NM_030813.6); short protein forms Y537S, Y567S, Y508S, Y522S.
Identifiers: ClinVar variation 1045621 (VCV001045621.9), dbSNP rs150857620, ClinGen allele CA381726450.

ClinVar aggregate classification (germline): Uncertain significance (1 of 4 stars; one submission).

Conditions:
3-methylglutaconic aciduria, type VIIB (MGCA7B). Also called: 3-methylglutaconic aciduria, type VII, with cataracts, neurologic involvement and neutropenia; 3-methylglutaconic aciduria with cataracts, neurologic involvement and neutropenia; CLPB Deficiency. Identifiers: Orphanet 445038, MedGen C5676893, MONDO:0014561, OMIM 616271.

Submission:

Labcorp Genetics (formerly Invitae), Labcorp
Classification: Uncertain significance for 3-methylglutaconic aciduria, type VIIB. Last evaluated: 2024-02-24. Review status: criteria provided, single submitter. Criteria: Invitae Variant Classification Sherloc (09022015). Collection method: clinical testing. Allele origin: germline.
Comment: This sequence change replaces tyrosine, which is neutral and polar, with serine, which is neutral and polar, at codon 567 of the CLPB protein (p.Tyr567Ser). This variant is not present in population databases (gnomAD no frequency). This missense change has been observed in individual(s) with 3-methylglutaconic aciduria (PMID: 32219827). ClinVar contains an entry for this variant (Variation ID: 1045621). An algorithm developed to predict the effect of missense changes on protein structure and function (PolyPhen-2) suggests that this variant is likely to be disruptive. This variant disrupts the p.Tyr567 amino acid residue in CLPB. Other variant(s) that disrupt this residue have been determined to be pathogenic (PMID: 25597510). This suggests that this residue is clinically significant, and that variants that disrupt this residue are likely to be disease-causing. In summary, the available evidence is currently insufficient to determine the role of this variant in disease. Therefore, it has been classified as a Variant of Uncertain Significance.

Literature cited by the submitters: PubMed 32219827; PubMed 25597510.